The following is an entry in ClinVar:

ClinVar aggregate classification (germline): Uncertain significance. Review status: reviewed by expert panel (3 of 4 stars). 4 submissions from 4 submitters: Uncertain significance (1). 3 of the submissions do not count toward it. Last evaluated 2024-09-30.

Conditions:
Hereditary thrombocytopenia and hematological cancer predisposition syndrome associated with RUNX1. Also called: PLATELET DISORDER, ASPIRIN-LIKE; RUNX1 Familial Platelet Disorder with Associated Myeloid Malignancies; Familial Platelet Disorder with Propensity to Acute Myelogenous Leukemia; Familial thrombocytopenia with propensity to acute myelogenous leukemia. Identifiers: Orphanet 71290, MedGen C1832388, MeSH C563324, MONDO:0100083, OMIM 601399.
Inborn genetic diseases. Identifiers: MedGen C0950123, MeSH D030342.
Acute myeloid leukemia (AML). Also called: Acute myeloid leukemia, adult; AML adult; Acute non-lymphocytic leukemia; Acute granulocytic leukemia; Leukemia, acute myeloid, somatic; Leukemia, acute myelogenous, somatic. Identifiers: Orphanet 519, MedGen C0023467, MeSH D015470, MONDO:0018874, OMIM 601626, HP:0004808. Disease mechanism: Constitutively activated FLT3.

Allele frequency attached by ClinVar (database versions not stated): gnomAD exomes 0.00001.
gnomAD v4.1: 5 of 1,611,802 alleles (0.00031%); highest among the groups gnomAD compares: Non-Finnish European, 0.00042%; no homozygotes.

Submissions (4):

ClinGen Myeloid Malignancy Variant Curation Expert Panel
Classification: Uncertain significance for Hereditary thrombocytopenia and hematological cancer predisposition syndrome associated with RUNX1. Last evaluated: 2024-09-30. Review status: reviewed by expert panel. Criteria: ClinGen MyeloMalig ACMG Specifications v2. Collection method: curation. Allele origin: germline. Inheritance: Autosomal dominant inheritance.
Comment: NM_001754.5(RUNX1):c.236T>A (p.Val79Glu) is a missense variant which is completely absent from all population databases with at least 20x coverage for RUNX1 (PM2_supporting). In summary, the clinical significance of this variant is uncertain. ACMG/AMP criteria applied, as specified by the Myeloid Malignancy Variant Curation Expert Panel for RUNX1: PM2_supporting.

Ambry Genetics
Classification: Uncertain significance for Inborn genetic diseases. Last evaluated: 2025-04-04. Review status: criteria provided, single submitter. Criteria: Ambry Variant Classification Scheme 2023. Collection method: clinical testing. Allele origin: germline. Not counted in ClinVar's aggregate classification.
Comment: The p.V79E variant (also known as c.236T>A), located in coding exon 3 of the RUNX1 gene, results from a T to A substitution at nucleotide position 236. The valine at codon 79 is replaced by glutamic acid, an amino acid with dissimilar properties. This amino acid position is conserved. In addition, this alteration is predicted to be deleterious by in silico analysis. Based on the available evidence, the clinical significance of this variant remains unclear.

Labcorp Genetics (formerly Invitae), Labcorp
Classification: Uncertain significance for Hereditary thrombocytopenia and hematological cancer predisposition syndrome associated with RUNX1. Last evaluated: 2024-04-02. Review status: criteria provided, single submitter. Criteria: Invitae Variant Classification Sherloc (09022015). Collection method: clinical testing. Allele origin: germline. Not counted in ClinVar's aggregate classification.
Comment: This sequence change replaces valine, which is neutral and non-polar, with glutamic acid, which is acidic and polar, at codon 79 of the RUNX1 protein (p.Val79Glu). This variant is not present in population databases (gnomAD no frequency). This variant has not been reported in the literature in individuals affected with RUNX1-related conditions. ClinVar contains an entry for this variant (Variation ID: 860545). Advanced modeling of protein sequence and biophysical properties (such as structural, functional, and spatial information, amino acid conservation, physicochemical variation, residue mobility, and thermodynamic stability) performed at Invitae indicates that this missense variant is not expected to disrupt RUNX1 protein function with a negative predictive value of 80%. In summary, the available evidence is currently insufficient to determine the role of this variant in disease. Therefore, it has been classified as a Variant of Uncertain Significance.

Baylor Genetics
Classification: Uncertain significance for Acute myeloid leukemia. Last evaluated: 2024-01-01. Review status: criteria provided, single submitter. Criteria: ACMG Guidelines, 2015. Collection method: clinical testing. Allele origin: unknown. Not counted in ClinVar's aggregate classification.

NM_001754.5(RUNX1):c.236T>A (p.Val79Glu)

Gene: RUNX1 (RUNX family transcription factor 1; minus strand). Cytogenetic location: 21q22.12.
Variant type: single nucleotide variant.
Coding change: c.236T>A on transcript NM_001754.5 (MANE Select); coding-DNA position 236, T replaced by A.
Protein change: p.Val79Glu; replaces valine 79 with glutamic acid.
Molecular consequence: missense variant.
Genome position (GRCh38, 1-based): chr21:34,886,958, A>T on the plus strand (T>A on the coding strand, the complement: RUNX1 is on the minus strand). VCF-style: chr21-34886958-A-T. GRCh37 (hg19) VCF-style: chr21-36259255-A-T.
Other names: NM_001754.5(RUNX1):c.236T>A; p.Val79Glu; c.155T>A, p.Val52Glu (NM_001001890.3, NM_001122607.2); short protein forms V79E, V52E.
Identifiers: ClinVar variation 860545 (VCV000860545.14), dbSNP rs1601529045, ClinGen allele CA410203832.
Genomic context (GRCh38, chr21:34,886,958, plus strand): 5'-CAGAGGAAGTTGGGGCTGTCGGTGCGCACCAGCTCGCCCGGGTGGTCGGCCAGCACCTCC[A>T]CCATGCTGCGGTCGCCGCTCCTCAGCTTGCCGGCCAGGGCAGCGCCGGCGTCCGGGGCGC-3'
Protein context (NP_001745.2, residues 69-89): GKLRSGDRSM[Val79Glu]EVLADHPGEL